The following is an entry in ClinVar:

ClinVar aggregate classification (germline): Likely benign. Review status: criteria provided, multiple submitters, no conflicts (2 of 4 stars). 3 submissions from 3 submitters: Likely benign (3). Last evaluated 2024-06-13.

Allele frequency attached by ClinVar (database versions not stated): gnomAD exomes 0.00001; gnomAD 0.00002; TOPMed 0.00005.
gnomAD v4.1: 16 of 1,613,946 alleles (0.00099%); highest among the groups gnomAD compares: Middle Eastern, 0.033%; no homozygotes.

Submissions (3):

Blueprint Genetics
Classification: Likely benign. Last evaluated: 2024-06-13. Review status: criteria provided, single submitter. Criteria: ACMG Guidelines, 2015. Collection method: clinical testing. Allele origin: germline.

CeGaT Center for Human Genetics Tuebingen
Classification: Likely benign. Last evaluated: 2022-11-01. Review status: criteria provided, single submitter. Criteria: CeGaT Center For Human Genetics Tuebingen Variant Classification Criteria Version 2. Collection method: clinical testing. Allele origin: germline. Affected: yes. Observed: 1 variant allele.
Comment: LARS2: BP4, BP7

Labcorp Genetics (formerly Invitae), Labcorp
Classification: Likely benign. Last evaluated: 2022-09-20. Review status: criteria provided, single submitter. Criteria: Invitae Variant Classification Sherloc (09022015). Collection method: clinical testing. Allele origin: germline.

NM_015340.4(LARS2):c.1887G>A (p.Thr629=)

Gene: LARS2 (leucyl-tRNA synthetase 2, mitochondrial; plus strand). Cytogenetic location: 3p21.31.
Variant type: single nucleotide variant.
Coding change: c.1887G>A on transcript NM_015340.4 (MANE Select); coding-DNA position 1887, G replaced by A.
Protein change: p.Thr629=; no amino-acid change (threonine 629 retained).
Molecular consequence: synonymous variant.
Genome position (GRCh38, 1-based): chr3:45,516,119, G>A. VCF-style: chr3-45516119-G-A. GRCh37 (hg19) VCF-style: chr3-45557611-G-A.
Other names: c.1887G>A, p.Thr629= (NM_001368263.1).
Identifiers: ClinVar variation 1925082 (VCV001925082.30), dbSNP rs918617335, ClinGen allele CA73579158.